The following is an entry in ClinVar:

NM_005159.5(ACTC1):c.590A>G (p.Glu197Gly)

Genes: ACTC1 (actin alpha cardiac muscle 1; minus strand), GJD2-DT (GJD2 divergent transcript; plus strand). Cytogenetic location: 15q14.
Variant type: single nucleotide variant.
Coding change: c.590A>G on transcript NM_005159.5 (MANE Select); coding-DNA position 590, A replaced by G.
Protein change: p.Glu197Gly; replaces glutamic acid 197 with glycine.
Molecular consequence: missense variant.
Genome position (GRCh38, 1-based): chr15:34,792,434, T>C on the plus strand (A>G on the coding strand, the complement: ACTC1 is on the minus strand). VCF-style: chr15-34792434-T-C. GRCh37 (hg19) VCF-style: chr15-35084635-T-C.
Other names: c.590A>G, p.Glu197Gly (NM_001406482.1, NM_001406483.1); c.455A>G, p.Glu152Gly (NM_001406484.1); c.149A>G, p.Glu50Gly (NM_001406485.1); short protein forms E152G, E197G, E50G.
Identifiers: ClinVar variation 1809768 (VCV001809768.1), dbSNP rs2504180857, ClinGen allele CA391630899.

ClinVar aggregate classification (germline): Uncertain significance (1 of 4 stars; one submission).

Submission:

Athena Diagnostics
Classification: Uncertain significance. Last evaluated: 2020-01-08. Review status: criteria provided, single submitter. Criteria: Athena Diagnostics Criteria. Collection method: clinical testing. Allele origin: unknown.
Comment: This observation is not an independent occurrence and has been identified in the same individual by RCIGM, the other laboratory participating in the GEMINI study.